The following is an entry in ClinVar:

ClinVar aggregate classification (germline): Pathogenic (1 of 4 stars; one submission).

Submission:

GeneDx
Classification: Pathogenic. Last evaluated: 2016-12-14. Review status: criteria provided, single submitter. Criteria: GeneDx Variant Classification (06012015). Collection method: clinical testing. Allele origin: germline. Affected: yes.
Comment: The c.230_231delTT variant in the NONO gene has not been reported previously as a pathogenic variant nor as a benign variant, to our knowledge. The c.230_231delTT variant causes a frameshift starting with codon Phenylalanine 77, changes this amino acid to a Cysteine residue, and creates a premature Stop codon at position 10 of the new reading frame, denoted p.Phe77CysfsX10. This variant is predicted to cause loss of normal protein function either through protein truncation or nonsense-mediated mRNA decay. The c.230_231delTT variant was not observed in approximately 6,500 individuals of European and African American ancestry in the NHLBI Exome Sequencing Project, indicating it is not a common benign variant in these populations. We interpret c.230_231delTT as a pathogenic variant.

NM_007363.5(NONO):c.230_231del (p.Phe77fs)

Gene: NONO (non-POU domain containing octamer binding; plus strand). Cytogenetic location: Xq13.1.
Variant type: Deletion.
Coding change: c.230_231del on transcript NM_007363.5 (MANE Select); coding-DNA positions 230 to 231, 2 bases deleted (TT; older notation c.230_231delTT).
Protein change: p.Phe77fs; shifts the reading frame from phenylalanine 77.
Molecular consequence: frameshift variant. On other transcripts: 5 prime UTR variant (1).
Genome position (GRCh38, 1-based): chrX:71,291,854-71,291,855, TT deleted; deleting any 2 consecutive bases within chrX:71,291,851-71,291,855 gives the same sequence; the c. name uses the placement nearest the transcript's 3' end. VCF-style (leftmost placement, unchanged base first): chrX-71291850-CTT-C. GRCh37 (hg19) VCF-style: chrX-70511700-CTT-C.
Other names: c.230_231del, p.Phe77fs (NM_001145408.2, NM_001145409.2); c.-38_-37del (NM_001145410.2); short protein forms F77fs.
Identifiers: ClinVar variation 373550 (VCV000373550.2), dbSNP rs1057518476, ClinGen allele CA16043280.